The following is an entry in ClinVar:

ClinVar aggregate classification (germline): Likely benign (0 of 4 stars; one submission).

Conditions:
CDON-related disorder. Also called: CDON-related condition.

Submission:

PreventionGenetics, part of Exact Sciences
Classification: Likely benign for CDON-related condition. Last evaluated: 2022-12-01. Review status: no assertion criteria provided. Collection method: clinical testing. Allele origin: germline.
Comment: This variant is classified as likely benign based on ACMG/AMP sequence variant interpretation guidelines (Richards et al. 2015 PMID: 25741868, with internal and published modifications).

NM_001378964.1(CDON):c.1782C>T (p.Tyr594=)

Gene: CDON (cell adhesion associated, oncogene regulated; minus strand). Cytogenetic location: 11q24.2.
Variant type: single nucleotide variant.
Coding change: c.1782C>T on transcript NM_001378964.1 (MANE Select); coding-DNA position 1782, C replaced by T.
Protein change: p.Tyr594=; no amino-acid change (tyrosine 594 retained).
Molecular consequence: synonymous variant.
Genome position (GRCh38, 1-based): chr11:126,005,828, G>A on the plus strand (C>T on the coding strand, the complement: CDON is on the minus strand). VCF-style: chr11-126005828-G-A. GRCh37 (hg19) VCF-style: chr11-125875723-G-A.
Other names: c.1782C>T, p.Tyr594= (NM_016952.6, NM_001243597.3).
Identifiers: ClinVar variation 3047008 (VCV003047008.2), dbSNP rs2497165184, ClinGen allele CA477699759.